The following is an entry in ClinVar:

NM_004974.4(KCNA2):c.53A>G (p.His18Arg)

Gene: KCNA2 (potassium voltage-gated channel subfamily A member 2; minus strand). Cytogenetic location: 1p13.3.
Variant type: single nucleotide variant.
Coding change: c.53A>G on transcript NM_004974.4 (MANE Select); coding-DNA position 53, A replaced by G.
Protein change: p.His18Arg; replaces histidine 18 with arginine.
Molecular consequence: missense variant.
Genome position (GRCh38, 1-based): chr1:110,604,730, T>C on the plus strand (A>G on the coding strand, the complement: KCNA2 is on the minus strand). VCF-style: chr1-110604730-T-C. GRCh37 (hg19) VCF-style: chr1-111147352-T-C.
Other names: c.53A>G, p.His18Arg (NM_001204269.2); short protein forms H18R.
Identifiers: ClinVar variation 2723374 (VCV002723374.3), dbSNP rs754808361, ClinGen allele CA1000759.

ClinVar aggregate classification (germline): Uncertain significance (1 of 4 stars; one submission).

Conditions:
Developmental and epileptic encephalopathy, 32 (DEE32). Also called: Epileptic encephalopathy, early infantile, 32. Identifiers: Orphanet 442835, MedGen C4225350, MONDO:0014607, OMIM 616366.

Allele frequency attached by ClinVar (database versions not stated): gnomAD exomes below 0.00001; ExAC 0.00001.
gnomAD v4.1: 1 of 1,614,054 alleles (0.000062%); highest among the groups gnomAD compares: African/African-American, 0.0013%; no homozygotes.

Submission:

Labcorp Genetics (formerly Invitae), Labcorp
Classification: Uncertain significance for Developmental and epileptic encephalopathy, 32. Last evaluated: 2022-12-14. Review status: criteria provided, single submitter. Criteria: Invitae Variant Classification Sherloc (09022015). Collection method: clinical testing. Allele origin: germline.
Comment: In summary, the available evidence is currently insufficient to determine the role of this variant in disease. Therefore, it has been classified as a Variant of Uncertain Significance. Advanced modeling of protein sequence and biophysical properties (such as structural, functional, and spatial information, amino acid conservation, physicochemical variation, residue mobility, and thermodynamic stability) performed at Invitae indicates that this missense variant is not expected to disrupt KCNA2 protein function. This variant has not been reported in the literature in individuals affected with KCNA2-related conditions. This variant is present in population databases (rs754808361, gnomAD no frequency). This sequence change replaces histidine, which is basic and polar, with arginine, which is basic and polar, at codon 18 of the KCNA2 protein (p.His18Arg).